The following is an entry in ClinVar:

NM_001257291.2(SLC9A7):c.326-2A>C

Gene: SLC9A7 (solute carrier family 9 member A7; minus strand). Cytogenetic location: Xp11.3.
Variant type: single nucleotide variant.
Coding change: c.326-2A>C on transcript NM_001257291.2 (MANE Select); the canonical splice acceptor site of the intron before coding-DNA position 326, A replaced by C.
Molecular consequence: splice acceptor variant.
Genome position (GRCh38, 1-based): chrX:46,682,537, T>G on the plus strand (A>C on the coding strand, the complement: SLC9A7 is on the minus strand). VCF-style: chrX-46682537-T-G. GRCh37 (hg19) VCF-style: chrX-46541972-T-G.
Other names: c.326-2A>C (NM_032591.3).
Identifiers: ClinVar variation 2749500 (VCV002749500.3), dbSNP rs2519632428, ClinGen allele CA413034421.

ClinVar aggregate classification (germline): Uncertain significance (1 of 4 stars; one submission).

Submission:

Labcorp Genetics (formerly Invitae), Labcorp
Classification: Uncertain significance. Last evaluated: 2023-08-02. Review status: criteria provided, single submitter. Criteria: Invitae Variant Classification Sherloc (09022015). Collection method: clinical testing. Allele origin: germline.
Comment: In summary, the available evidence is currently insufficient to determine the role of this variant in disease. Therefore, it has been classified as a Variant of Uncertain Significance. Algorithms developed to predict the effect of sequence changes on RNA splicing suggest that this variant may disrupt the consensus splice site. This variant has not been reported in the literature in individuals affected with SLC9A7-related conditions. This variant is not present in population databases (gnomAD no frequency). This sequence change affects an acceptor splice site in intron 1 of the SLC9A7 gene. It is expected to disrupt RNA splicing. Variants that disrupt the donor or acceptor splice site typically lead to a loss of protein function (PMID: 16199547), however the current clinical and genetic evidence is not sufficient to establish whether loss-of-function variants in SLC9A7 cause disease.

Literature cited by the submitters: PubMed 16199547.